The following is an entry in ClinVar:

NM_002180.3(IGHMBP2):c.257-116C>T

Gene: IGHMBP2 (immunoglobulin mu DNA binding protein 2; plus strand). Cytogenetic location: 11q13.3.
Variant type: single nucleotide variant.
Coding change: c.257-116C>T on transcript NM_002180.3 (MANE Select); 116 bases into the intron before coding-DNA position 257, C replaced by T.
Molecular consequence: intron variant.
Genome position (GRCh38, 1-based): chr11:68,908,029, C>T. VCF-style: chr11-68908029-C-T. GRCh37 (hg19) VCF-style: chr11-68675497-C-T.
Identifiers: ClinVar variation 681973 (VCV000681973.1), dbSNP rs508049, ClinGen allele CA15703728.

ClinVar aggregate classification (germline): Benign (1 of 4 stars; one submission).

Allele frequency attached by ClinVar (database versions not stated): 1000 Genomes Project 0.02256; 1000 Genomes Project 30x 0.02264; TOPMed 0.03320; gnomAD 0.03987 and 0.04026.
gnomAD v4.1: 43,357 of 914,362 alleles (4.7%); highest among the groups gnomAD compares: Middle Eastern, 6.4%; 1,328 homozygotes.

Submission:

GeneDx
Classification: Benign. Last evaluated: 2018-06-14. Review status: criteria provided, single submitter. Criteria: GeneDx Variant Classification (06012015). Collection method: clinical testing. Allele origin: germline. Affected: yes.
Comment: This variant is considered likely benign or benign based on one or more of the following criteria: it is a conservative change, it occurs at a poorly conserved position in the protein, it is predicted to be benign by multiple in silico algorithms, and/or has population frequency not consistent with disease.